The following is an entry in ClinVar:

ClinVar aggregate classification (germline): Uncertain significance (1 of 4 stars; one submission).

Conditions:
Cryopyrin associated periodic syndrome (CAPS). Identifiers: Orphanet 208650, MedGen C2316212, MONDO:0016168.

Allele frequency attached by ClinVar (database versions not stated): gnomAD exomes below 0.00001.
gnomAD v4.1: 1 of 1,614,104 alleles (0.000062%); highest among the groups gnomAD compares: Non-Finnish European, 0.000085%; no homozygotes.

Submission:

Labcorp Genetics (formerly Invitae), Labcorp
Classification: Uncertain significance for Cryopyrin associated periodic syndrome. Last evaluated: 2022-03-12. Review status: criteria provided, single submitter. Criteria: Invitae Variant Classification Sherloc (09022015). Collection method: clinical testing. Allele origin: germline.
Comment: Algorithms developed to predict the effect of missense changes on protein structure and function are either unavailable or do not agree on the potential impact of this missense change (SIFT: "Tolerated"; PolyPhen-2: "Possibly Damaging"; Align-GVGD: "Class C0"). This sequence change replaces serine, which is neutral and polar, with threonine, which is neutral and polar, at codon 962 of the NLRP3 protein (p.Ser962Thr). This variant is not present in population databases (gnomAD no frequency). This variant has not been reported in the literature in individuals affected with NLRP3-related conditions. In summary, the available evidence is currently insufficient to determine the role of this variant in disease. Therefore, it has been classified as a Variant of Uncertain Significance.

NM_001243133.2(NLRP3):c.2878T>A (p.Ser960Thr)

Gene: NLRP3 (NLR family pyrin domain containing 3; plus strand). Cytogenetic location: 1q44.
Variant type: single nucleotide variant.
Coding change: c.2878T>A on transcript NM_001243133.2 (MANE Select); coding-DNA position 2878, T replaced by A.
Protein change: p.Ser960Thr; replaces serine 960 with threonine.
Molecular consequence: missense variant.
Genome position (GRCh38, 1-based): chr1:247,444,694, T>A. VCF-style: chr1-247444694-T-A. GRCh37 (hg19) VCF-style: chr1-247607996-T-A.
Other names: c.2878T>A, p.Ser960Thr (NM_001079821.3); c.2707T>A, p.Ser903Thr (NM_001127461.3, NM_001127462.3); c.2884T>A, p.Ser962Thr (NM_004895.5); c.2536T>A, p.Ser846Thr (NM_183395.3); short protein forms S903T, S960T, S846T, S962T.
Identifiers: ClinVar variation 2110368 (VCV002110368.4), dbSNP rs2527477923, ClinGen allele CA345565574.